The following is an entry in ClinVar:

NM_021100.5(NFS1):c.1055-20A>G

Gene: NFS1 (NFS1 cysteine desulfurase; minus strand). Cytogenetic location: 20q11.22.
Variant type: single nucleotide variant.
Coding change: c.1055-20A>G on transcript NM_021100.5 (MANE Select); 20 bases into the intron before coding-DNA position 1055, A replaced by G.
Molecular consequence: intron variant.
Genome position (GRCh38, 1-based): chr20:35,674,451, T>C on the plus strand (A>G on the coding strand, the complement: NFS1 is on the minus strand). VCF-style: chr20-35674451-T-C. GRCh37 (hg19) VCF-style: chr20-34262373-T-C.
Other names: c.902-20A>G (NM_001198989.2).
Identifiers: ClinVar variation 1905505 (VCV001905505.5), dbSNP rs755173826, ClinGen allele CA9837064.

ClinVar aggregate classification (germline): Uncertain significance (1 of 4 stars; one submission).

Allele frequency attached by ClinVar (database versions not stated): ExAC 0.00001; gnomAD 0.00001; gnomAD exomes 0.00001; TOPMed 0.00002.
gnomAD v4.1: 16 of 1,613,000 alleles (0.00099%); highest among the groups gnomAD compares: Admixed American, 0.025%; no homozygotes.

Submission:

Labcorp Genetics (formerly Invitae), Labcorp
Classification: Uncertain significance. Last evaluated: 2022-10-18. Review status: criteria provided, single submitter. Criteria: Invitae Variant Classification Sherloc (09022015). Collection method: clinical testing. Allele origin: germline.
Comment: This sequence change falls in intron 9 of the NFS1 gene. It does not directly change the encoded amino acid sequence of the NFS1 protein. In summary, the available evidence is currently insufficient to determine the role of this variant in disease. Therefore, it has been classified as a Variant of Uncertain Significance. Algorithms developed to predict the effect of sequence changes on RNA splicing suggest that this variant may disrupt the consensus splice site. This variant has not been reported in the literature in individuals affected with NFS1-related conditions. This variant is present in population databases (rs755173826, gnomAD 0.03%).